The following is an entry in ClinVar:

NM_000051.4(ATM):c.1052A>C (p.Asp351Ala)

Gene: ATM (ATM serine/threonine kinase; plus strand). Cytogenetic location: 11q22.3.
Variant type: single nucleotide variant.
Coding change: c.1052A>C on transcript NM_000051.4 (MANE Select); coding-DNA position 1052, A replaced by C.
Protein change: p.Asp351Ala; replaces aspartic acid 351 with alanine.
Molecular consequence: missense variant.
Genome position (GRCh38, 1-based): chr11:108,247,114, A>C. VCF-style: chr11-108247114-A-C. GRCh37 (hg19) VCF-style: chr11-108117841-A-C.
Other names: c.1052A>C, p.Asp351Ala (NM_001351834.2); short protein forms D351A.
Identifiers: ClinVar variation 2732936 (VCV002732936.3), dbSNP rs1057521618, ClinGen allele CA382531780.

ClinVar aggregate classification (germline): Uncertain significance (1 of 4 stars; one submission).

Conditions:
Ataxia-telangiectasia syndrome (AT). Also called: Cerebello-oculocutaneous telangiectasia; Immunodeficiency with ataxia telangiectasia; Ataxia-telangiectasia, complementation group E; Ataxia-telangiectasia, complementation group D; AT, COMPLEMENTATION GROUP C; ATAXIA-TELANGIECTASIA, COMPLEMENTATION GROUP A. Identifiers: Orphanet 100, MedGen C0004135, MONDO:0008840, OMIM 208900.

Submission:

Labcorp Genetics (formerly Invitae), Labcorp
Classification: Uncertain significance for Ataxia-telangiectasia syndrome. Last evaluated: 2023-06-29. Review status: criteria provided, single submitter. Criteria: Invitae Variant Classification Sherloc (09022015). Collection method: clinical testing. Allele origin: germline.
Comment: This sequence change replaces aspartic acid, which is acidic and polar, with alanine, which is neutral and non-polar, at codon 351 of the ATM protein (p.Asp351Ala). This variant is not present in population databases (gnomAD no frequency). This variant has not been reported in the literature in individuals affected with ATM-related conditions. An algorithm developed to predict the effect of missense changes on protein structure and function (PolyPhen-2) suggests that this variant is likely to be disruptive. In summary, the available evidence is currently insufficient to determine the role of this variant in disease. Therefore, it has been classified as a Variant of Uncertain Significance.